The following is an entry in ClinVar:

NM_006231.4(POLE):c.204+1G>A

Gene: POLE (DNA polymerase epsilon, catalytic subunit; minus strand). Cytogenetic location: 12q24.33.
Variant type: single nucleotide variant.
Coding change: c.204+1G>A on transcript NM_006231.4 (MANE Select); the canonical splice donor site of the intron after coding-DNA position 204, G replaced by A.
Molecular consequence: splice donor variant.
Genome position (GRCh38, 1-based): chr12:132,681,137, C>T on the plus strand (G>A on the coding strand, the complement: POLE is on the minus strand). VCF-style: chr12-132681137-C-T. GRCh37 (hg19) VCF-style: chr12-133257723-C-T.
Other names: c.204+1G>A (NM_006231.2, NM_006231.3).
Identifiers: ClinVar variation 1350509 (VCV001350509.9), dbSNP rs1431917980, ClinGen allele CA387369580.

ClinVar aggregate classification (germline): Conflicting classifications of pathogenicity. Review status: criteria provided, conflicting classifications (1 of 4 stars). 3 submissions from 3 submitters: Likely pathogenic (2); Uncertain significance (1). Last evaluated 2025-07-02.

Conditions:
POLE-related disorder. Also called: POLE-related condition; POLE-related disorders.
Hereditary cancer-predisposing syndrome. Also called: Hereditary neoplastic syndrome; Tumor predisposition; Neoplastic Syndromes, Hereditary; Hereditary Cancer Syndrome. Identifiers: Orphanet 140162, MedGen C0027672, MeSH D009386, MONDO:0015356.

Allele frequency attached by ClinVar (database versions not stated): gnomAD exomes below 0.00001.
gnomAD v4.1: 1 of 1,614,016 alleles (0.000062%); highest among the groups gnomAD compares: Admixed American, 0.0017%; no homozygotes.

Submissions (4):

Ambry Genetics
Classification: Uncertain significance for Hereditary cancer-predisposing syndrome. Last evaluated: 2025-07-02. Review status: criteria provided, single submitter. Criteria: Ambry Variant Classification Scheme 2023. Collection method: clinical testing. Allele origin: germline.
Comment: The c.204+1G>A intronic variant results from a G to A substitution one nucleotide after coding exon 2 of the POLE gene. Alterations that disrupt the canonical splice site are expected to cause aberrant splicing, resulting in an abnormal protein or a transcript that is subject to nonsense-mediated mRNA decay. This nucleotide position is highly conserved in available vertebrate species. In silico splice site analysis predicts that this alteration will weaken the native splice donor site. RNA studies have demonstrated that this alteration results in abnormal splicing in the set of samples tested (Ambry internal data). Although biallelic loss of function of POLE has been associated with autosomal recessive POLE deficiency, haploinsufficiency of POLE has not been established as a mechanism of disease for POLE-related polymerase proofreading-associated polyposis (PPAP) and POLE-related CMMRD-like syndrome. Based on the supporting evidence, this variant is expected to be causative of POLE deficiency when present along with a second pathogenic variant on the other allele; however, its clinical significance for PPAP and POLE-related CMMRD-like syndrome is unclear.

PreventionGenetics, part of Exact Sciences
Classification: Likely pathogenic for POLE-related condition. Last evaluated: 2023-08-15. Review status: criteria provided, single submitter. Criteria: ACMG Guidelines, 2015. Collection method: clinical testing. Allele origin: germline.
Comment: The POLE c.204+1G>A variant is predicted to disrupt the GT donor site and interfere with normal splicing. This variant has not been reported in the literature or in a large population database, indicating this variant is rare. It is interpreted as likely pathogenic in ClinVar. Pathogenic variants in POLE leading to loss of POLE protein function have been reported in individuals with autosomal recessive intrauterine growth retardation, metaphyseal dysplasia, adrenal hypoplasia congenita, genital anomalies, and immunodeficiency (IMAGe-I) syndrome (Pachlopnik Schmid et al. 2012. PubMed ID: 23230001; Thiffault et al. 2015. PubMed ID: 25948378; Long et al. 2018. PubMed ID: 30503519; Nakano et al. 2022. PubMed ID: 35534205). This variant is interpreted as likely pathogenic for autosomal recessive IMAGe-I syndrome and as a variant of uncertain significance for autosomal dominant POLE-associated disorders.

Labcorp Genetics (formerly Invitae), Labcorp
Classification: Likely pathogenic. Last evaluated: 2022-06-09. Review status: criteria provided, single submitter. Criteria: Invitae Variant Classification Sherloc (09022015). Collection method: clinical testing. Allele origin: germline.
Comment: Algorithms developed to predict the effect of sequence changes on RNA splicing suggest that this variant may disrupt the consensus splice site. This variant has not been reported in the literature in individuals affected with POLE-related conditions. This variant is present in population databases (no rsID available, gnomAD 0.06%). This sequence change affects a donor splice site in intron 2 of the POLE gene. It is expected to disrupt RNA splicing. Variants that disrupt the donor or acceptor splice site typically lead to a loss of protein function (PMID: 16199547), and loss-of-function variants in POLE are known to be pathogenic (PMID: 23230001, 25948378, 30503519). In summary, the currently available evidence indicates that the variant is pathogenic, but additional data are needed to prove that conclusively. Therefore, this variant has been classified as Likely Pathogenic.

Dr. Peter K. Rogan Lab, Western University
No classification provided (evidence only). Condition: Malignant tumor of urinary bladder. Review status: no classification provided. Collection method: in vitro. Allele origin: not applicable. Functional consequence: retained intron. Not counted in ClinVar's aggregate classification.

Literature cited by the submitters: PubMed 16199547 (cited by Labcorp Genetics (formerly Invitae), Labcorp); PubMed 23230001 (cited by Labcorp Genetics (formerly Invitae), Labcorp); PubMed 25948378 (cited by Labcorp Genetics (formerly Invitae), Labcorp); PubMed 30503519 (cited by Labcorp Genetics (formerly Invitae), Labcorp).